The following is an entry in ClinVar:

NM_000424.4(KRT5):c.124G>A (p.Gly42Ser)

Gene: KRT5 (keratin 5; minus strand). Cytogenetic location: 12q13.13.
Variant type: single nucleotide variant.
Coding change: c.124G>A on transcript NM_000424.4 (MANE Select); coding-DNA position 124, G replaced by A.
Protein change: p.Gly42Ser; replaces glycine 42 with serine.
Molecular consequence: missense variant.
Genome position (GRCh38, 1-based): chr12:52,520,173, C>T on the plus strand (G>A on the coding strand, the complement: KRT5 is on the minus strand). VCF-style: chr12-52520173-C-T. GRCh37 (hg19) VCF-style: chr12-52913957-C-T.
Other names: short protein forms G42S.
Identifiers: ClinVar variation 2365162 (VCV002365162.6), dbSNP rs201264698, ClinGen allele CA6582918.

ClinVar aggregate classification (germline): Uncertain significance. Review status: criteria provided, multiple submitters, no conflicts (2 of 4 stars). 3 submissions from 3 submitters: Uncertain significance (3). Last evaluated 2025-11-03.

Conditions:
KRT5-related disorder. Also called: KRT5-related condition.
Inborn genetic diseases. Identifiers: MedGen C0950123, MeSH D030342.

Allele frequency attached by ClinVar (database versions not stated): ExAC 0.00003; gnomAD 0.00007; gnomAD exomes 0.00011; TOPMed 0.00011; 1000 Genomes Project 30x 0.00016; 1000 Genomes Project 0.00020.
gnomAD v4.1: 172 of 1,613,928 alleles (0.011%); highest among the groups gnomAD compares: Admixed American, 0.015%; no homozygotes.

Submissions (3):

PreventionGenetics, part of Exact Sciences
Classification: Uncertain significance for KRT5-related condition. Last evaluated: 2025-11-03. Review status: criteria provided, single submitter. Criteria: ACMG Guidelines, 2015. Collection method: clinical testing. Allele origin: germline.
Comment: The KRT5 c.124G>A variant is predicted to result in the amino acid substitution p.Gly42Ser. To our knowledge, this variant has not been reported in the literature. This variant is reported in 0.011% of alleles in individuals of Latino descent in gnomAD. At this time, the clinical significance of this variant is uncertain due to the absence of conclusive functional and genetic evidence.

Ambry Genetics
Classification: Uncertain significance for Inborn genetic diseases. Last evaluated: 2024-08-06. Review status: criteria provided, single submitter. Criteria: Ambry Variant Classification Scheme 2023. Collection method: clinical testing. Allele origin: germline.

Labcorp Genetics (formerly Invitae), Labcorp
Classification: Uncertain significance. Last evaluated: 2024-04-16. Review status: criteria provided, single submitter. Criteria: Invitae Variant Classification Sherloc (09022015). Collection method: clinical testing. Allele origin: germline.
Comment: This sequence change replaces glycine, which is neutral and non-polar, with serine, which is neutral and polar, at codon 42 of the KRT5 protein (p.Gly42Ser). This variant is present in population databases (rs201264698, gnomAD 0.009%). This variant has not been reported in the literature in individuals affected with KRT5-related conditions. ClinVar contains an entry for this variant (Variation ID: 2365162). Advanced modeling of protein sequence and biophysical properties (such as structural, functional, and spatial information, amino acid conservation, physicochemical variation, residue mobility, and thermodynamic stability) performed at Invitae indicates that this missense variant is not expected to disrupt KRT5 protein function with a negative predictive value of 95%. In summary, the available evidence is currently insufficient to determine the role of this variant in disease. Therefore, it has been classified as a Variant of Uncertain Significance.